The following is an entry in ClinVar:

ClinVar aggregate classification (germline): Conflicting classifications of pathogenicity. Review status: criteria provided, conflicting classifications (1 of 4 stars). 5 submissions from 5 submitters: Uncertain significance (1); Likely benign (3). 1 of the submissions does not count toward it. Last evaluated 2026-01-01.

Conditions:
TNFRSF11B-related disorder. Also called: TNFRSF11B-related condition.

Allele frequency attached by ClinVar (database versions not stated): gnomAD 0.00008 and 0.00010; TOPMed 0.00016; gnomAD exomes 0.00018; ExAC 0.00020; ESP Exome Variant Server 0.00023.
gnomAD v4.1: 214 of 1,614,010 alleles (0.013%); highest among the groups gnomAD compares: Middle Eastern, 0.23%; no homozygotes.

Submissions (5):

CeGaT Center for Human Genetics Tuebingen
Classification: Likely benign. Last evaluated: 2026-01-01. Review status: criteria provided, single submitter. Criteria: CeGaT Center For Human Genetics Tuebingen Variant Classification Criteria Version 2. Collection method: clinical testing. Allele origin: germline. Affected: yes. Observed: 2 variant alleles.
Comment: TNFRSF11B: BP4, BP7

Labcorp Genetics (formerly Invitae), Labcorp
Classification: Likely benign. Last evaluated: 2025-12-03. Review status: criteria provided, single submitter. Criteria: Invitae Variant Classification Sherloc (09022015). Collection method: clinical testing. Allele origin: germline.

Blueprint Genetics
Classification: Likely benign. Last evaluated: 2024-07-10. Review status: criteria provided, single submitter. Criteria: ACMG Guidelines, 2015. Collection method: clinical testing. Allele origin: germline.

Eurofins Ntd Llc (ga)
Classification: Uncertain significance. Last evaluated: 2017-11-07. Review status: criteria provided, single submitter. Criteria: EGL Classification Definitions 2015. Collection method: clinical testing. Allele origin: germline. Observed: 2 variant alleles, 1 heterozygote, 1 homozygote.

PreventionGenetics, part of Exact Sciences
Classification: Likely benign for TNFRSF11B-related condition. Last evaluated: 2023-07-27. Review status: no assertion criteria provided. Collection method: clinical testing. Allele origin: germline. Not counted in ClinVar's aggregate classification.
Comment: This variant is classified as likely benign based on ACMG/AMP sequence variant interpretation guidelines (Richards et al. 2015 PMID: 25741868, with internal and published modifications).

NM_002546.4(TNFRSF11B):c.69G>A (p.Thr23=)

Gene: TNFRSF11B (TNF receptor superfamily member 11b; minus strand). Cytogenetic location: 8q24.12.
Variant type: single nucleotide variant.
Coding change: c.69G>A on transcript NM_002546.4 (MANE Select); coding-DNA position 69, G replaced by A.
Protein change: p.Thr23=; no amino-acid change (threonine 23 retained).
Molecular consequence: synonymous variant.
Genome position (GRCh38, 1-based): chr8:118,933,262, C>T on the plus strand (G>A on the coding strand, the complement: TNFRSF11B is on the minus strand). VCF-style: chr8-118933262-C-T. GRCh37 (hg19) VCF-style: chr8-119945501-C-T.
Identifiers: ClinVar variation 289070 (VCV000289070.41), dbSNP rs146450643, ClinGen allele CA4854990.